The following is an entry in ClinVar:

NM_001330311.2(DVL1):c.1229C>T (p.Thr410Met)

Gene: DVL1 (dishevelled segment polarity protein 1; minus strand). Cytogenetic location: 1p36.33.
Variant type: single nucleotide variant.
Coding change: c.1229C>T on transcript NM_001330311.2 (MANE Select); coding-DNA position 1229, C replaced by T.
Protein change: p.Thr410Met; replaces threonine 410 with methionine.
Molecular consequence: missense variant.
Genome position (GRCh38, 1-based): chr1:1,338,632, G>A on the plus strand (C>T on the coding strand, the complement: DVL1 is on the minus strand). VCF-style: chr1-1338632-G-A. GRCh37 (hg19) VCF-style: chr1-1274012-G-A.
Other names: c.1154C>T, p.Thr385Met (NM_004421.3); c.1154C>T (NM_004421.2); short protein forms T410M, T385M.
Identifiers: ClinVar variation 1499371 (VCV001499371.9), dbSNP rs768931734, ClinGen allele CA520174.

ClinVar aggregate classification (germline): Uncertain significance. Review status: criteria provided, multiple submitters, no conflicts (2 of 4 stars). 2 submissions from 2 submitters: Uncertain significance (2). Last evaluated 2024-02-27.

Conditions:
Inborn genetic diseases. Identifiers: MedGen C0950123, MeSH D030342.

Allele frequency attached by ClinVar (database versions not stated): ExAC 0.00001; gnomAD exomes 0.00002; TOPMed 0.00003; gnomAD 0.00005 and 0.00006.
gnomAD v4.1: 23 of 1,610,830 alleles (0.0014%); highest among the groups gnomAD compares: Admixed American, 0.005%; no homozygotes.

Submissions (2):

Ambry Genetics
Classification: Uncertain significance for Inborn genetic diseases. Last evaluated: 2024-02-27. Review status: criteria provided, single submitter. Criteria: Ambry Variant Classification Scheme 2023. Collection method: clinical testing. Allele origin: germline.

Labcorp Genetics (formerly Invitae), Labcorp
Classification: Uncertain significance. Last evaluated: 2020-12-04. Review status: criteria provided, single submitter. Criteria: Invitae Variant Classification Sherloc (09022015). Collection method: clinical testing. Allele origin: germline.
Comment: This sequence change replaces threonine with methionine at codon 385 of the DVL1 protein (p.Thr385Met). The threonine residue is moderately conserved and there is a moderate physicochemical difference between threonine and methionine. This variant is present in population databases (rs768931734, ExAC 0.009%). This variant has not been reported in the literature in individuals with DVL1-related conditions. Algorithms developed to predict the effect of missense changes on protein structure and function are either unavailable or do not agree on the potential impact of this missense change (SIFT: "Deleterious"; PolyPhen-2: "Probably Damaging"; Align-GVGD: "Class C0"). In summary, the available evidence is currently insufficient to determine the role of this variant in disease. Therefore, it has been classified as a Variant of Uncertain Significance.